The following is an entry in ClinVar:

NM_007078.3(LDB3):c.859del (p.Met287fs)

Gene: LDB3 (LIM domain binding 3; plus strand). Cytogenetic location: 10q23.2.
Variant type: Deletion.
Coding change: c.859del on transcript NM_007078.3 (MANE Select); coding-DNA position 859, one base deleted (A; older notation c.859delA).
Protein change: p.Met287fs; shifts the reading frame from methionine 287.
Molecular consequence: frameshift variant.
Genome position (GRCh38, 1-based): chr10:86,692,065, A deleted. VCF-style (leftmost placement, unchanged base first): chr10-86692064-CA-C. GRCh37 (hg19) VCF-style: chr10-88451821-CA-C.
Other names: c.718del, p.Met240fs (NM_001080114.2, NM_001080116.1, NM_001368066.1 and 2 more transcripts); c.859del, p.Met287fs (NM_001080115.2, NM_001368063.1, NM_001368064.1 and 1 more transcripts); c.1063del, p.Met355fs (NM_001171610.2, NM_001171611.2); c.718delA (NM_001080114.1); short protein forms M240fs, M287fs, M355fs.
Identifiers: ClinVar variation 3689376 (VCV003689376.4).
Genomic context (GRCh38, chr10:86,692,064, plus strand): 5'-TTCCTCCAACCTGCAGTCTCGCTCCTTCCGCATCCTGGCCCAGATGACGGGGACAGAATT[CA>C]GTGAGTGCAGGCTCTCAGGGTGGCTGCAGAGGAGGGAGATGCTGAGGGGCCACCAGGGAC-3'

ClinVar aggregate classification (germline): Conflicting classifications of pathogenicity. Review status: criteria provided, conflicting classifications (1 of 4 stars). 3 submissions from 3 submitters: Pathogenic (1); Likely pathogenic (1); Uncertain significance (1). Last evaluated 2026-08-11.

Conditions:
Myofibrillar myopathy 4. Also called: Zaspopathy (type). Identifiers: Orphanet 98912, MedGen C4721886, MONDO:0012277, OMIM 609452.
LDB3-related disorder. Also called: LDB3-related condition.
Cardiovascular phenotype. Identifiers: MedGen CN230736.

Submissions (3):

PreventionGenetics, part of Exact Sciences
Classification: Likely pathogenic for LDB3-related condition. Last evaluated: 2026-08-11. Review status: criteria provided, single submitter. Criteria: ACMG Guidelines, 2015. Collection method: clinical testing. Allele origin: germline.
Comment: The LDB3 c.718delA variant is predicted to result in a frameshift and premature protein termination (p.Met240Cysfs*142). Of note, this variant can also be referred to as c.859del (p.Met287Cysfs*205) with the MANE Select transcript NM_007078. To our knowledge, this variant has not been reported in the literature or in a large population database (gnomAD), indicating this variant is rare. Frameshift variants in this region of the LDB3 gene are expected to be pathogenic. This variant is interpreted as likely pathogenic for autosomal recessive LDB3-related disease.

Ambry Genetics
Classification: Uncertain significance for Cardiovascular phenotype. Last evaluated: 2026-02-11. Review status: criteria provided, single submitter. Criteria: Ambry Variant Classification Scheme 2023. Collection method: clinical testing. Allele origin: germline.
Comment: The c.859delA variant, located in coding exon 5 of the LDB3 gene, results from a deletion of one nucleotide at nucleotide position 859, causing a translational frameshift with a predicted alternate stop codon (p.M287Cfs*205). This variant is expected to result in protein truncation or nonsense-mediated mRNA decay. However, loss of function has not been established as a mechanism of disease. Based on the available evidence, the clinical significance of this variant remains unclear.

Labcorp Genetics (formerly Invitae), Labcorp
Classification: Pathogenic for Myofibrillar myopathy 4. Last evaluated: 2024-06-22. Review status: criteria provided, single submitter. Criteria: Invitae Variant Classification Sherloc (09022015). Collection method: clinical testing. Allele origin: germline.
Comment: The LDB3 gene has multiple clinically relevant transcripts. This variant occurs in alternate transcript NM_007078.3, and corresponds to NM_001080116.1:c.718del in the primary transcript. This sequence change creates a premature translational stop signal (p.Met287Cysfs*205) in the LDB3 gene. It is expected to result in an absent or disrupted protein product. Loss-of-function variants in LDB3 are known to be pathogenic (PMID: 36253531). This variant is not present in population databases (gnomAD no frequency). This variant has not been reported in the literature in individuals affected with LDB3-related conditions. Algorithms developed to predict the effect of sequence changes on RNA splicing suggest that this variant may disrupt the consensus splice site. For these reasons, this variant has been classified as Pathogenic.

Literature cited by the submitters: PubMed 36253531 (cited by Labcorp Genetics (formerly Invitae), Labcorp).